The following is an entry in ClinVar:

ClinVar aggregate classification (germline): Likely benign. Review status: criteria provided, multiple submitters, no conflicts (2 of 4 stars). 5 submissions from 5 submitters: Likely benign (4). 1 of the submissions does not count toward it. Last evaluated 2025-12-12.

Conditions:
TTN-related disorder. Also called: TTN-related disorders; TTN-related condition; TTN-related disease.
Cardiovascular phenotype. Identifiers: MedGen CN230736.
Autosomal recessive limb-girdle muscular dystrophy type 2J (LGMDR10). Also called: Limb-girdle muscular dystrophy, type 2J; MUSCULAR DYSTROPHY, LIMB-GIRDLE, AUTOSOMAL RECESSIVE 10. Identifiers: Orphanet 140922, MedGen C1837342, MONDO:0012127, OMIM 608807.
Dilated cardiomyopathy 1G (CMD1G). Identifiers: Orphanet 154, MedGen C1858763, MONDO:0011400, OMIM 604145.

Allele frequency attached by ClinVar (database versions not stated): gnomAD exomes 0.00001 and 0.00003; TOPMed 0.00001; ExAC 0.00002.
gnomAD v4.1: 13 of 1,612,306 alleles (0.00081%); highest among the groups gnomAD compares: Admixed American, 0.0083%; no homozygotes.

Submissions (5):

Labcorp Genetics (formerly Invitae), Labcorp
Classification: Likely benign for Dilated cardiomyopathy 1G; Autosomal recessive limb-girdle muscular dystrophy type 2J. Last evaluated: 2025-12-12. Review status: criteria provided, single submitter. Criteria: Invitae Variant Classification Sherloc (09022015). Collection method: clinical testing. Allele origin: germline.

CeGaT Center for Human Genetics Tuebingen
Classification: Likely benign. Last evaluated: 2025-09-01. Review status: criteria provided, single submitter. Criteria: CeGaT Center For Human Genetics Tuebingen Variant Classification Criteria Version 2. Collection method: clinical testing. Allele origin: germline. Affected: yes. Observed: 1 variant allele.
Comment: TTN: BP4, BP7

Blueprint Genetics
Classification: Likely benign. Last evaluated: 2020-01-29. Review status: criteria provided, single submitter. Criteria: ACMG Guidelines, 2015. Collection method: clinical testing. Allele origin: germline.

Ambry Genetics
Classification: Likely benign for Cardiovascular phenotype. Last evaluated: 2019-08-12. Review status: criteria provided, single submitter. Criteria: Ambry Variant Classification Scheme 2023. Collection method: clinical testing. Allele origin: germline.

PreventionGenetics, part of Exact Sciences
Classification: Likely benign for TTN-related condition. Last evaluated: 2020-09-05. Review status: no assertion criteria provided. Collection method: clinical testing. Allele origin: germline. Not counted in ClinVar's aggregate classification.
Comment: This variant is classified as likely benign based on ACMG/AMP sequence variant interpretation guidelines (Richards et al. 2015 PMID: 25741868, with internal and published modifications).

NM_001267550.2(TTN):c.51873G>A (p.Glu17291=)

Genes: TTN (titin; minus strand), TTN-AS1 (TTN antisense RNA 1; plus strand). Cytogenetic location: 2q31.2.
Variant type: single nucleotide variant.
Coding change: c.51873G>A on transcript NM_001267550.2 (MANE Select); coding-DNA position 51873, G replaced by A.
Protein change: p.Glu17291=; no amino-acid change (glutamic acid 17291 retained).
Molecular consequence: synonymous variant.
Genome position (GRCh38, 1-based): chr2:178,609,437, C>T on the plus strand (G>A on the coding strand, the complement: TTN is on the minus strand). VCF-style: chr2-178609437-C-T. GRCh37 (hg19) VCF-style: chr2-179474164-C-T.
Other names: c.46950G>A, p.Glu15650= (NM_001256850.1); c.24678G>A, p.Glu8226= (NM_003319.4); c.44169G>A, p.Glu14723= (NM_133378.4); c.25053G>A, p.Glu8351= (NM_133432.3); c.25254G>A, p.Glu8418= (NM_133437.4).
Identifiers: ClinVar variation 1460203 (VCV001460203.20), dbSNP rs766833190, ClinGen allele CA1994102.